The following is an entry in ClinVar:

ClinVar aggregate classification (germline): Conflicting classifications of pathogenicity. Review status: criteria provided, conflicting classifications (1 of 4 stars). 3 submissions from 3 submitters: Uncertain significance (2); Likely benign (1). Last evaluated 2026-03-26.

Conditions:
Hearing impairment. Also called: Impaired Hearing. Identifiers: MedGen C1384666, MONDO:0005365, HP:0000365.
TNC-related disorder. Also called: TNC-related condition.

Allele frequency attached by ClinVar (database versions not stated): ESP Exome Variant Server 0.00023; gnomAD exomes 0.00024 and 0.00038; ExAC 0.00027; gnomAD 0.00032 and 0.00036; TOPMed 0.00057.
gnomAD v4.1: 611 of 1,613,944 alleles (0.038%); highest among the groups gnomAD compares: Middle Eastern, 0.21%; no homozygotes.

Submissions (3):

PreventionGenetics, part of Exact Sciences
Classification: Uncertain significance for TNC-related condition. Last evaluated: 2026-03-26. Review status: criteria provided, single submitter. Criteria: ACMG Guidelines, 2015. Collection method: clinical testing. Allele origin: germline.
Comment: The TNC c.6211G>A variant is predicted to result in the amino acid substitution p.Glu2071Lys. This variant has been reported in an individual with congenital unilateral hearing loss (Supplement, Florentine et al. 2021. PubMed ID: 34515852). This variant has not been reported in association with non-syndromic deafness but has been reported in four unaffected individuals in a single family with bipolar disorder (Toma et al 2018. PubMed ID: 29531218). This variant is reported in 0.043% of alleles in individuals of European (Non-Finnish) descent in gnomAD. Although we suspect that this variant may be benign, at this time, the clinical significance of this variant is uncertain due to the absence of conclusive functional and genetic evidence.

Blueprint Genetics
Classification: Likely benign. Last evaluated: 2024-10-31. Review status: criteria provided, single submitter. Criteria: ACMG Guidelines, 2015. Collection method: clinical testing. Allele origin: germline.

Department of Otolaryngology – Head & Neck Surgery, Cochlear Implant Center
Classification: Uncertain significance for Hearing impairment. Last evaluated: 2021-04-12. Review status: criteria provided, single submitter. Criteria: ClinGen HL ACMG Specifications v1. Collection method: clinical testing. Allele origin: germline. Affected: yes.
Comment: PP3_Supporting, BS2_Strong

NM_002160.4(TNC):c.6211G>A (p.Glu2071Lys)

Gene: TNC (tenascin C; minus strand). Cytogenetic location: 9q33.1.
Variant type: single nucleotide variant.
Coding change: c.6211G>A on transcript NM_002160.4 (MANE Select); coding-DNA position 6211, G replaced by A.
Protein change: p.Glu2071Lys; replaces glutamic acid 2071 with lysine.
Molecular consequence: missense variant.
Genome position (GRCh38, 1-based): chr9:115,026,654, C>T on the plus strand (G>A on the coding strand, the complement: TNC is on the minus strand). VCF-style: chr9-115026654-C-T. GRCh37 (hg19) VCF-style: chr9-117788933-C-T.
Other names: short protein forms E2071K.
Identifiers: ClinVar variation 1065095 (VCV001065095.5), dbSNP rs140573419, ClinGen allele CA5207419.